The following is an entry in ClinVar:

ClinVar aggregate classification (germline): Likely benign. Review status: criteria provided, multiple submitters, no conflicts (2 of 4 stars). 2 submissions from 2 submitters: Likely benign (2). Last evaluated 2025-09-02.

Conditions:
GUCY2D-related disorder. Also called: GUCY2D-related condition.
Leber congenital amaurosis 1 (LCA1). Also called: AMAUROSIS CONGENITA OF LEBER I; Congenital absence of the rods and cones; Leber's congenital tapetoretinal degeneration; Leber's congenital tapetoretinal dysplasia; RETINAL BLINDNESS, CONGENITAL. Identifiers: Orphanet 65, MedGen C2931258, MONDO:0008764, OMIM 204000.
Cone-rod dystrophy 6 (CORD6). Also called: Cone dystrophy progressive; RETINAL CONE DYSTROPHY 2. Identifiers: Orphanet 1872, MedGen C1866293, MONDO:0011143, OMIM 601777.

Allele frequency attached by ClinVar (database versions not stated): TOPMed 0.00004.
gnomAD v4.1: 19 of 1,613,976 alleles (0.0012%); highest among the groups gnomAD compares: African/African-American, 0.0053%; no homozygotes.

Submissions (2):

Labcorp Genetics (formerly Invitae), Labcorp
Classification: Likely benign for Leber congenital amaurosis 1; Cone-rod dystrophy 6. Last evaluated: 2025-09-02. Review status: criteria provided, single submitter. Criteria: Invitae Variant Classification Sherloc (09022015). Collection method: clinical testing. Allele origin: germline.

PreventionGenetics, part of Exact Sciences
Classification: Likely benign for GUCY2D-related condition. Last evaluated: 2025-07-31. Review status: criteria provided, single submitter. Criteria: ACMG Guidelines, 2015. Collection method: clinical testing. Allele origin: germline.
Comment: This variant is classified as likely benign based on ACMG/AMP sequence variant interpretation guidelines (Richards et al. 2015 PMID: 25741868, with internal and published modifications).

NM_000180.4(GUCY2D):c.2181C>T (p.Gly727=)

Gene: GUCY2D (guanylate cyclase 2D, retinal; plus strand). Cytogenetic location: 17p13.1.
Variant type: single nucleotide variant.
Coding change: c.2181C>T on transcript NM_000180.4 (MANE Select); coding-DNA position 2181, C replaced by T.
Protein change: p.Gly727=; no amino-acid change (glycine 727 retained).
Molecular consequence: synonymous variant.
Genome position (GRCh38, 1-based): chr17:8,013,170, C>T. VCF-style: chr17-8013170-C-T. GRCh37 (hg19) VCF-style: chr17-7916488-C-T.
Other names: c.2181C>T (NM_000180.3).
Identifiers: ClinVar variation 1036363 (VCV001036363.7), dbSNP rs140628227, ClinGen allele CA287532040.
Genomic context (GRCh38, chr17:8,013,170, plus strand): 5'-GTGGACAGCCCCGGAGCTGCTTAGGGACCCAGCCCTGGAGCGCCGGGGAACGCTGGCCGG[C>T]GACGTCTTTAGCTTGGCCATCATCATGCAAGAAGTAGTGTGCCGCAGTGCCCCTTATGCC-3'
Protein context (NP_000171.1, residues 717-737): PALERRGTLA[Gly727=]DVFSLAIIMQ